The following is an entry in ClinVar:

NM_001376571.1(MADD):c.550_555del (p.Pro184_Phe185del)

Gene: MADD (MAP kinase activating death domain; plus strand). Cytogenetic location: 11p11.2.
Variant type: Deletion.
Coding change: c.550_555del on transcript NM_001376571.1 (MANE Select); coding-DNA positions 550 to 555, 6 bases deleted (CCTTTC; older notation c.550_555delCCTTTC).
Protein change: p.Pro184_Phe185del.
Molecular consequence: inframe deletion. On other transcripts: non-coding transcript variant (8), intron variant (1).
Genome position (GRCh38, 1-based): chr11:47,275,050-47,275,055, CCTTTC deleted; deleting any 6 consecutive bases within chr11:47,275,049-47,275,055 gives the same sequence; the c. name uses the placement nearest the transcript's 3' end. VCF-style (leftmost placement, unchanged base first): chr11-47275048-ACCCTTT-A. GRCh37 (hg19) VCF-style: chr11-47296599-ACCCTTT-A.
Other names: c.550_555del, p.Pro184_Phe185del (NM_001135943.2, NM_001135944.2, NM_001376572.1 and 80 more transcripts); c.346_351del, p.Pro116_Phe117del (NM_001376620.1, NM_001376626.1, NM_001376627.1 and 9 more transcripts); c.-7-849_-7-844del (NM_001376663.1).
Identifiers: ClinVar variation 5016474 (VCV005016474.1).

ClinVar aggregate classification (germline): Likely pathogenic (1 of 4 stars; one submission).

Conditions:
Deeah syndrome. Also called: DEVELOPMENTAL DELAY WITH ENDOCRINE, EXOCRINE, AUTONOMIC, AND HEMATOLOGIC ABNORMALITIES. Identifiers: Orphanet 686495, MedGen C5436579, MONDO:0033561, OMIM 619004.

Submission:

Area of Clinical and Molecular Genetics, Hospital Universitario Vall de Hebron
Classification: Likely pathogenic for Deeah syndrome. Last evaluated: 2026-10-08. Review status: criteria provided, single submitter. Criteria: ACMG Guidelines, 2015. Collection method: clinical testing. Allele origin: germline. Inheritance: Autosomal recessive inheritance. Affected: yes. Observed: 1 variant allele, 1 homozygote.
Comment: The homozygous c.550_555del (p.Pro184_Phe185del) variant in MADD was absent from population databases and affects the cDENN domain, which is required for the function of protein (Yoshimura et al 2010). The clinical presentation of our patient is highly concordant with the severe end of the MADD-related disease spectrum. Taken together, the absence of the variant from population databases, its homozygous occurrence with confirmed parental segregation, its location within a functionally relevant DENN domain, and the strong phenotypic concordance support the classification of p.Pro184_Phe185del as likely pathogenic and indicate that it is the most likely cause of the patient's clinical presentation.

Literature cited by the submitters: PubMed 20937701.